The following is an entry in ClinVar:

NM_052947.4(ALPK2):c.4619C>T (p.Pro1540Leu)

Genes: ALPK2 (alpha kinase 2; minus strand), LOC126862764 (BRD4-independent group 4 enhancer GRCh37_chr18:56202574-56203773; plus strand). Cytogenetic location: 18q21.31.
Variant type: single nucleotide variant.
Coding change: c.4619C>T on transcript NM_052947.4 (MANE Select); coding-DNA position 4619, C replaced by T.
Protein change: p.Pro1540Leu; replaces proline 1540 with leucine.
Molecular consequence: missense variant.
Genome position (GRCh38, 1-based): chr18:58,535,568, G>A on the plus strand (C>T on the coding strand, the complement: ALPK2 is on the minus strand). VCF-style: chr18-58535568-G-A. GRCh37 (hg19) VCF-style: chr18-56202800-G-A.
Other names: short protein forms P1540L.
Identifiers: ClinVar variation 3228755 (VCV003228755.1), dbSNP rs747769569, ClinGen allele CA8976670.

ClinVar aggregate classification (germline): Uncertain significance (1 of 4 stars; one submission).

Allele frequency attached by ClinVar (database versions not stated): gnomAD exomes below 0.00001; TOPMed below 0.00001; ExAC 0.00001.
gnomAD v4.1: 2 of 1,614,208 alleles (0.00012%); highest among the groups gnomAD compares: South Asian, 0.0022%; no homozygotes.

Submission:

Ambry Genetics
Classification: Uncertain significance. Last evaluated: 2023-12-24. Review status: criteria provided, single submitter. Criteria: Ambry Variant Classification Scheme 2023. Collection method: clinical testing. Allele origin: germline.
Comment: The p.P1540L variant (also known as c.4619C>T), located in coding exon 4 of the ALPK2 gene, results from a C to T substitution at nucleotide position 4619. The proline at codon 1540 is replaced by leucine, an amino acid with similar properties. This amino acid position is conserved. In addition, this alteration is predicted to be tolerated by in silico analysis. Since supporting evidence is limited at this time, the clinical significance of this alteration remains unclear.